The following is an entry in ClinVar:

ClinVar aggregate classification (germline): Uncertain significance (1 of 4 stars; one submission).

Allele frequency attached by ClinVar (database versions not stated): gnomAD exomes below 0.00001; TOPMed 0.00001; ExAC 0.00002.
gnomAD v4.1: 5 of 1,577,896 alleles (0.00032%); highest among the groups gnomAD compares: East Asian, 0.009%; no homozygotes.

Submission:

Labcorp Genetics (formerly Invitae), Labcorp
Classification: Uncertain significance. Last evaluated: 2022-07-19. Review status: criteria provided, single submitter. Criteria: Invitae Variant Classification Sherloc (09022015). Collection method: clinical testing. Allele origin: germline.
Comment: In summary, the available evidence is currently insufficient to determine the role of this variant in disease. Therefore, it has been classified as a Variant of Uncertain Significance. Experimental studies and prediction algorithms are not available or were not evaluated, and the functional significance of this variant is currently unknown. This variant has not been reported in the literature in individuals affected with KIZ-related conditions. This variant is present in population databases (rs770008997, gnomAD 0.03%). This sequence change replaces alanine, which is neutral and non-polar, with serine, which is neutral and polar, at codon 73 of the KIZ protein (p.Ala73Ser).

NM_018474.6(KIZ):c.217G>T (p.Ala73Ser)

Gene: KIZ (kizuna centrosomal protein; plus strand). Cytogenetic location: 20p11.23.
Variant type: single nucleotide variant.
Coding change: c.217G>T on transcript NM_018474.6 (MANE Select); coding-DNA position 217, G replaced by T.
Protein change: p.Ala73Ser; replaces alanine 73 with serine.
Molecular consequence: missense variant. On other transcripts: 5 prime UTR variant (1), intron variant (4).
Genome position (GRCh38, 1-based): chr20:21,136,454, G>T. VCF-style: chr20-21136454-G-T. GRCh37 (hg19) VCF-style: chr20-21117095-G-T.
Other names: c.217G>T, p.Ala73Ser (NM_001352434.2); c.-170G>T (NM_001352436.2); c.169-9111G>T (NM_001276389.2); c.6+4295G>T (NM_001163022.3, NM_001352435.2, NM_001163023.3); short protein forms A73S.
Identifiers: ClinVar variation 1948653 (VCV001948653.5), dbSNP rs770008997, ClinGen allele CA9784600.